The following is an entry in ClinVar:

NM_015338.6(ASXL1):c.177G>A (p.Met59Ile)

Gene: ASXL1 (ASXL transcriptional regulator 1; plus strand). Cytogenetic location: 20q11.21.
Variant type: single nucleotide variant.
Coding change: c.177G>A on transcript NM_015338.6 (MANE Select); coding-DNA position 177, G replaced by A.
Protein change: p.Met59Ile; replaces methionine 59 with isoleucine.
Molecular consequence: missense variant.
Genome position (GRCh38, 1-based): chr20:32,369,048, G>A. VCF-style: chr20-32369048-G-A. GRCh37 (hg19) VCF-style: chr20-30956851-G-A.
Other names: c.177G>A, p.Met59Ile (NM_001164603.1); c.147G>A, p.Met49Ile (NM_001363734.1); short protein forms M59I, M49I.
Identifiers: ClinVar variation 4588880 (VCV004588880.1).

ClinVar aggregate classification (germline): Uncertain significance (1 of 4 stars; one submission).

Conditions:
Inborn genetic diseases. Identifiers: MedGen C0950123, MeSH D030342.

Submission:

Ambry Genetics
Classification: Uncertain significance for Inborn genetic diseases. Last evaluated: 2025-12-02. Review status: criteria provided, single submitter. Criteria: Ambry Variant Classification Scheme 2023. Collection method: clinical testing. Allele origin: germline.
Comment: The p.M59I variant (also known as c.177G>A), located in coding exon 4 of the ASXL1 gene, results from a G to A substitution at nucleotide position 177. The methionine at codon 59 is replaced by isoleucine, an amino acid with highly similar properties. This amino acid position is conserved. In addition, the in silico prediction for this alteration is inconclusive. Based on the available evidence, the clinical significance of this variant remains unclear.